The following is an entry in ClinVar:

NM_005392.4(PHF2):c.2595C>T (p.His865=)

Gene: PHF2 (PHD finger protein 2; plus strand). Cytogenetic location: 9q22.31.
Variant type: single nucleotide variant.
Coding change: c.2595C>T on transcript NM_005392.4 (MANE Select); coding-DNA position 2595, C replaced by T.
Protein change: p.His865=; no amino-acid change (histidine 865 retained).
Molecular consequence: synonymous variant.
Genome position (GRCh38, 1-based): chr9:93,673,831, C>T. VCF-style: chr9-93673831-C-T. GRCh37 (hg19) VCF-style: chr9-96436113-C-T.
Identifiers: ClinVar variation 3050762 (VCV003050762.2), dbSNP rs781374042, ClinGen allele CA5133029.

ClinVar aggregate classification (germline): Likely benign (0 of 4 stars; one submission).

Conditions:
PHF2-related disorder. Also called: PHF2-related condition.

Allele frequency attached by ClinVar (database versions not stated): gnomAD 0.00001; gnomAD exomes 0.00001; TOPMed 0.00002; ExAC 0.00003.
gnomAD v4.1: 10 of 1,602,678 alleles (0.00062%); highest among the groups gnomAD compares: Admixed American, 0.017%; no homozygotes.

Submission:

PreventionGenetics, part of Exact Sciences
Classification: Likely benign for PHF2-related condition. Last evaluated: 2019-07-15. Review status: no assertion criteria provided. Collection method: clinical testing. Allele origin: germline.
Comment: This variant is classified as likely benign based on ACMG/AMP sequence variant interpretation guidelines (Richards et al. 2015 PMID: 25741868, with internal and published modifications).